The following is an entry in ClinVar:

NM_001122764.3(PPOX):c.565C>T (p.Gln189Ter)

Gene: PPOX (protoporphyrinogen oxidase; plus strand). Cytogenetic location: 1q23.3.
Variant type: single nucleotide variant.
Coding change: c.565C>T on transcript NM_001122764.3 (MANE Select); coding-DNA position 565, C replaced by T.
Protein change: p.Gln189Ter; replaces glutamine 189 with a stop codon.
Molecular consequence: nonsense.
Genome position (GRCh38, 1-based): chr1:161,168,525, C>T. VCF-style: chr1-161168525-C-T. GRCh37 (hg19) VCF-style: chr1-161138315-C-T.
Other names: p.Gln189*; c.565C>T, p.Gln189Ter (NM_000309.5, NM_001365398.1, NM_001365399.1); c.466C>T, p.Gln156Ter (NM_001350128.2); c.157C>T, p.Gln53Ter (NM_001350129.2, NM_001365400.1); c.79C>T, p.Gln27Ter (NM_001350130.2, NM_001350131.2, NM_001365401.1); short protein forms Q156*, Q189*, Q27*, Q53*.
Identifiers: ClinVar variation 651549 (VCV000651549.13), dbSNP rs956668146, ClinGen allele CA31633708.
Genomic context (GRCh38, chr1:161,168,525, plus strand): 5'-GGAGTGTTTGCAGGCAACAGCCGTGAGCTCAGCATCAGGTCCTGCTTTCCCAGTCTCTTC[C>T]AAGCTGAGCAAACCCATCGTTCCATATTACTGGGCCTGCTGCTGGGGGCAGGTGAGGGGG-3'

ClinVar aggregate classification (germline): Pathogenic. Review status: criteria provided, multiple submitters, no conflicts (2 of 4 stars). 3 submissions from 3 submitters: Pathogenic (3). Last evaluated 2026-01-22.

Conditions:
PPOX-related disorder. Also called: PPOX-related condition.

Allele frequency attached by ClinVar (database versions not stated): gnomAD exomes below 0.00001; gnomAD 0.00001; TOPMed 0.00001.
gnomAD v4.1: 5 of 1,614,068 alleles (0.00031%); highest among the groups gnomAD compares: Non-Finnish European, 0.00042%; no homozygotes.

Submissions (3):

Labcorp Genetics (formerly Invitae), Labcorp
Classification: Pathogenic. Last evaluated: 2026-01-22. Review status: criteria provided, single submitter. Criteria: Invitae Variant Classification Sherloc (09022015). Collection method: clinical testing. Allele origin: germline.
Comment: This sequence change creates a premature translational stop signal (p.Gln189*) in the PPOX gene. It is expected to result in an absent or disrupted protein product. Loss-of-function variants in PPOX are known to be pathogenic (PMID: 10486317). This variant is present in population databases (no rsID available, gnomAD 0.0009%). This premature translational stop signal has been observed in individuals with variegate porphyria (PMID: 10486317). ClinVar contains an entry for this variant (Variation ID: 651549). For these reasons, this variant has been classified as Pathogenic.

Blueprint Genetics
Classification: Pathogenic for PPOX-related disorders. Last evaluated: 2024-01-24. Review status: criteria provided, single submitter. Criteria: ACMG Guidelines, 2015. Collection method: clinical testing. Allele origin: germline. Affected: yes. Observed: 1 variant allele.

Mayo Clinic Laboratories, Mayo Clinic
Classification: Pathogenic. Last evaluated: 2023-09-20. Review status: criteria provided, single submitter. Criteria: ACMG Guidelines, 2015. Collection method: clinical testing. Allele origin: germline.
Comment: PP4, PM2_moderate, PVS1

Literature cited by the submitters: PubMed 10486317 (cited by Labcorp Genetics (formerly Invitae), Labcorp and Mayo Clinic Laboratories, Mayo Clinic); PubMed 11348478 (cited by Mayo Clinic Laboratories, Mayo Clinic).